The following is an entry in ClinVar:

ClinVar aggregate classification (germline): Uncertain significance (1 of 4 stars; one submission).

Conditions:
Hereditary spastic paraplegia 2 (SPG2). Also called: SPASTIC PARAPLEGIA 2, X-LINKED; Spastic Paraplegia 2 (SPG2). Identifiers: Orphanet 99015, MedGen C0751604, MONDO:0010733, OMIM 312920.

Allele frequency attached by ClinVar (database versions not stated): ExAC 0.00001; gnomAD exomes 0.00001.
gnomAD v4.1: 11 of 1,199,023 alleles (0.00092%); highest among the groups gnomAD compares: Non-Finnish European, 0.0012%; no homozygotes.

Submission:

Labcorp Genetics (formerly Invitae), Labcorp
Classification: Uncertain significance for Hereditary spastic paraplegia 2. Last evaluated: 2022-07-26. Review status: criteria provided, single submitter. Criteria: Invitae Variant Classification Sherloc (09022015). Collection method: clinical testing. Allele origin: germline.
Comment: This sequence change falls in intron 6 of the PLP1 gene. It does not directly change the encoded amino acid sequence of the PLP1 protein. It affects a nucleotide within the consensus splice site. This variant is present in population databases (rs774443520, gnomAD 0.001%). This variant has not been reported in the literature in individuals affected with PLP1-related conditions. ClinVar contains an entry for this variant (Variation ID: 956566). Variants that disrupt the consensus splice site are a relatively common cause of aberrant splicing (PMID: 17576681, 9536098). Algorithms developed to predict the effect of sequence changes on RNA splicing suggest that this variant is not likely to affect RNA splicing. In summary, the available evidence is currently insufficient to determine the role of this variant in disease. Therefore, it has been classified as a Variant of Uncertain Significance.

Literature cited by the submitters: PubMed 17576681; PubMed 9536098.

NM_000533.5(PLP1):c.763-3C>T

Genes: RAB9B (RAB9B, member RAS oncogene family; minus strand), PLP1 (proteolipid protein 1; plus strand). Cytogenetic location: Xq22.2.
Variant type: single nucleotide variant.
Coding change: c.763-3C>T on transcript NM_000533.5 (MANE Select); 3 bases into the intron before coding-DNA position 763, C replaced by T.
Molecular consequence: intron variant.
Genome position (GRCh38, 1-based): chrX:103,790,524, C>T. VCF-style: chrX-103790524-C-T. GRCh37 (hg19) VCF-style: chrX-103045452-C-T.
Other names: c.763-3C>T (NM_001128834.3); c.658-3C>T (NM_199478.3); c.598-3C>T (NM_001305004.1).
Identifiers: ClinVar variation 956566 (VCV000956566.5), dbSNP rs774443520, ClinGen allele CA10479049.
Genomic context (GRCh38, chrX:103,790,524, plus strand): 5'-GATTTGAGGAGGGAGTGCTTTCTTTTCTACTCTCATTCACATTCTCTCTTCTGTTCCCTA[C>T]AGCTCACCTTCATGATTGCTGCCACTTACAACTTTGCCGTCCTTAAACTCATGGGCCGAG-3'